The following is an entry in ClinVar:

ClinVar aggregate classification (germline): Likely benign (1 of 4 stars; one submission).

Conditions:
Familial cancer of breast. Also called: hereditary breast carcinoma; Hereditary breast cancer; BREAST CANCER, FAMILIAL. Identifiers: Orphanet 227535, MedGen C0346153, MONDO:0016419, OMIM 114480. Disease mechanism: loss of function.

Submission:

Myriad Genetics, Inc.
Classification: Likely benign for Familial cancer of breast. Last evaluated: 2024-08-22. Review status: criteria provided, single submitter. Criteria: Myriad Autosomal Dominant, Autosomal Recessive and X-Linked Classification Criteria (2023). Collection method: clinical testing. Allele origin: unknown.
Comment: This variant is considered likely benign. This variant is intronic and is not expected to impact mRNA splicing.

NM_032043.3(BRIP1):c.919-16del

Gene: BRIP1 (BRCA1 interacting DNA helicase 1; minus strand). Cytogenetic location: 17q23.2.
Variant type: Deletion.
Coding change: c.919-16del on transcript NM_032043.3 (MANE Select); 16 bases into the intron before coding-DNA position 919, one base deleted (G; older notation c.919-16delG).
Molecular consequence: intron variant.
Genome position (GRCh38, 1-based): chr17:61,801,490, C deleted on the plus strand (G on the coding strand, the reverse complement: BRIP1 is on the minus strand). VCF-style (leftmost placement, unchanged base first): chr17-61801489-GC-G. GRCh37 (hg19) VCF-style: chr17-59878850-GC-G.
Identifiers: ClinVar variation 3378965 (VCV003378965.1).
Genomic context (GRCh38, chr17:61,801,489, plus strand): 5'-GATCACTAATTTTATGAACTCCATGATAAAAATAGCAGGATTTTCCCTAGAAACAAATAT[GC>G]ATAACTGAAATGTGAACCAATATTAGCATAGAAGGAATAAAATAAGCTTATCTCAGAATT-3'